The following is an entry in ClinVar:

ClinVar aggregate classification (germline): Uncertain significance (1 of 4 stars; one submission).

Allele frequency attached by ClinVar (database versions not stated): gnomAD exomes below 0.00001.
gnomAD v4.1: 2 of 1,581,380 alleles (0.00013%); highest among the groups gnomAD compares: Non-Finnish European, 0.00017%; no homozygotes.

Submission:

Labcorp Genetics (formerly Invitae), Labcorp
Classification: Uncertain significance. Last evaluated: 2024-07-15. Review status: criteria provided, single submitter. Criteria: Invitae Variant Classification Sherloc (09022015). Collection method: clinical testing. Allele origin: germline.
Comment: This sequence change replaces proline, which is neutral and non-polar, with arginine, which is basic and polar, at codon 172 of the KMT2A protein (p.Pro172Arg). This variant is not present in population databases (gnomAD no frequency). This variant has not been reported in the literature in individuals affected with KMT2A-related conditions. ClinVar contains an entry for this variant (Variation ID: 1407813). Advanced modeling of protein sequence and biophysical properties (such as structural, functional, and spatial information, amino acid conservation, physicochemical variation, residue mobility, and thermodynamic stability) has been performed at Invitae for this missense variant, however the output from this modeling did not meet the statistical confidence thresholds required to predict the impact of this variant on KMT2A protein function. In summary, the available evidence is currently insufficient to determine the role of this variant in disease. Therefore, it has been classified as a Variant of Uncertain Significance.

NM_001197104.2(KMT2A):c.515C>G (p.Pro172Arg)

Gene: KMT2A (lysine methyltransferase 2A; plus strand). Cytogenetic location: 11q23.3.
Variant type: single nucleotide variant.
Coding change: c.515C>G on transcript NM_001197104.2 (MANE Select); coding-DNA position 515, C replaced by G.
Protein change: p.Pro172Arg; replaces proline 172 with arginine.
Molecular consequence: missense variant.
Genome position (GRCh38, 1-based): chr11:118,471,674, C>G. VCF-style: chr11-118471674-C-G. GRCh37 (hg19) VCF-style: chr11-118342389-C-G.
Other names: c.515C>G, p.Pro172Arg (NM_005933.4); short protein forms P172R.
Identifiers: ClinVar variation 1407813 (VCV001407813.7), dbSNP rs2134257091, ClinGen allele CA382806469.